The following is an entry in ClinVar:

ClinVar aggregate classification (germline): Likely benign. Review status: criteria provided, single submitter (1 of 4 stars). 2 submissions from 2 submitters: Likely benign (1). 1 of the submissions does not count toward it. Last evaluated 2025-06-29.

Conditions:
Charcot-Marie-Tooth disease type 2. Also called: Charcot-Marie-Tooth type 2. Identifiers: Orphanet 64746, MedGen C0270914, MONDO:0018993.
MED25-related disorder. Also called: MED25-related condition.

Allele frequency attached by ClinVar (database versions not stated): TOPMed 0.00008; ExAC 0.00002; gnomAD exomes 0.00002; gnomAD 0.00009; ESP Exome Variant Server 0.00008.
gnomAD v4.1: 35 of 1,613,930 alleles (0.0022%); highest among the groups gnomAD compares: African/African-American, 0.025%; no homozygotes.

Submissions (2):

Labcorp Genetics (formerly Invitae), Labcorp
Classification: Likely benign for Charcot-Marie-Tooth disease type 2. Last evaluated: 2025-06-29. Review status: criteria provided, single submitter. Criteria: Invitae Variant Classification Sherloc (09022015). Collection method: clinical testing. Allele origin: germline.

PreventionGenetics, part of Exact Sciences
Classification: Likely benign for MED25-related condition. Last evaluated: 2020-08-25. Review status: no assertion criteria provided. Collection method: clinical testing. Allele origin: germline. Not counted in ClinVar's aggregate classification.
Comment: This variant is classified as likely benign based on ACMG/AMP sequence variant interpretation guidelines (Richards et al. 2015 PMID: 25741868, with internal and published modifications).

NM_030973.4(MED25):c.1512G>A (p.Ala504=)

Gene: MED25 (mediator complex subunit 25; plus strand). Cytogenetic location: 19q13.33.
Variant type: single nucleotide variant.
Coding change: c.1512G>A on transcript NM_030973.4 (MANE Select); coding-DNA position 1512, G replaced by A.
Protein change: p.Ala504=; no amino-acid change (alanine 504 retained).
Molecular consequence: synonymous variant.
Genome position (GRCh38, 1-based): chr19:49,835,015, G>A. VCF-style: chr19-49835015-G-A. GRCh37 (hg19) VCF-style: chr19-50338272-G-A.
Other names: c.1512G>A, p.Ala504= (NM_001378355.1).
Identifiers: ClinVar variation 2137926 (VCV002137926.6), dbSNP rs370554586, ClinGen allele CA9585302.
Genomic context (GRCh38, chr19:49,835,015, plus strand): 5'-GAATGGTTCTGAAGAGCTGTTGTCCACCCAGGCGGGCTGCGTGCACTTCCCCCACACGGC[G>A]CCCTGTGAGGTGCGCGTGCTCATGCTCCTGTACTCGTCCAAGAAGAAGATCTTCATGGGC-3'
Protein context (NP_112235.2, residues 494-514): FAGCVHFPHT[Ala504=]PCEVRVLMLL